The following is an entry in ClinVar:

ClinVar aggregate classification (germline): Uncertain significance. Review status: criteria provided, multiple submitters, no conflicts (2 of 4 stars). 2 submissions from 2 submitters: Uncertain significance (2). Last evaluated 2025-06-26.

Conditions:
Inborn genetic diseases. Identifiers: MedGen C0950123, MeSH D030342.

Allele frequency attached by ClinVar (database versions not stated): gnomAD exomes 0.00002 and 0.00004; ExAC 0.00003; gnomAD 0.00013 and 0.00014; TOPMed 0.00013; ESP Exome Variant Server 0.00017.
gnomAD v4.1: 41 of 1,613,686 alleles (0.0025%); highest among the groups gnomAD compares: African/African-American, 0.051%; no homozygotes.

Submissions (2):

Ambry Genetics
Classification: Uncertain significance for Inborn genetic diseases. Last evaluated: 2025-06-26. Review status: criteria provided, single submitter. Criteria: Ambry Variant Classification Scheme 2023. Collection method: clinical testing. Allele origin: germline.

Labcorp Genetics (formerly Invitae), Labcorp
Classification: Uncertain significance. Last evaluated: 2022-10-17. Review status: criteria provided, single submitter. Criteria: Invitae Variant Classification Sherloc (09022015). Collection method: clinical testing. Allele origin: germline.
Comment: This sequence change replaces glutamine, which is neutral and polar, with histidine, which is basic and polar, at codon 1705 of the RTTN protein (p.Gln1705His). This variant is present in population databases (rs370590897, gnomAD 0.04%). This variant has not been reported in the literature in individuals affected with RTTN-related conditions. ClinVar contains an entry for this variant (Variation ID: 1357563). Advanced modeling of protein sequence and biophysical properties (such as structural, functional, and spatial information, amino acid conservation, physicochemical variation, residue mobility, and thermodynamic stability) performed at Invitae indicates that this missense variant is not expected to disrupt RTTN protein function. In summary, the available evidence is currently insufficient to determine the role of this variant in disease. Therefore, it has been classified as a Variant of Uncertain Significance.

NM_173630.4(RTTN):c.5115G>T (p.Gln1705His)

Gene: RTTN (rotatin; minus strand). Cytogenetic location: 18q22.2.
Variant type: single nucleotide variant.
Coding change: c.5115G>T on transcript NM_173630.4 (MANE Select); coding-DNA position 5115, G replaced by T.
Protein change: p.Gln1705His; replaces glutamine 1705 with histidine.
Molecular consequence: missense variant.
Genome position (GRCh38, 1-based): chr18:70,054,201, C>A on the plus strand (G>T on the coding strand, the complement: RTTN is on the minus strand). VCF-style: chr18-70054201-C-A. GRCh37 (hg19) VCF-style: chr18-67721437-C-A.
Other names: c.2379G>T, p.Gln793His (NM_001318520.2); c.5115G>T (NM_173630.3); short protein forms Q1705H, Q793H.
Identifiers: ClinVar variation 1357563 (VCV001357563.6), dbSNP rs370590897, ClinGen allele CA8995042.